The following is an entry in ClinVar:

NM_001267550.2(TTN):c.85511_85512del (p.Glu28504fs)

Genes: TTN (titin; minus strand), TTN-AS1 (TTN antisense RNA 1; plus strand). Cytogenetic location: 2q31.2.
Variant type: Microsatellite.
Coding change: c.85511_85512del on transcript NM_001267550.2 (MANE Select); coding-DNA positions 85511 to 85512, 2 bases deleted (AG; older notation c.85511_85512delAG).
Protein change: p.Glu28504fs; shifts the reading frame from glutamic acid 28504.
Molecular consequence: frameshift variant.
Genome position (GRCh38, 1-based): chr2:178,560,620-178,560,621, CT deleted on the plus strand (AG on the coding strand, the reverse complement: TTN is on the minus strand); deleting any 2 consecutive bases within chr2:178,560,620-178,560,624 gives the same sequence; the c. name uses the placement nearest the transcript's 3' end. VCF-style (leftmost placement, unchanged base first): chr2-178560619-ACT-A. GRCh37 (hg19) VCF-style: chr2-179425346-ACT-A.
Other names: c.77807_77808delAG (NM_133378.4); c.80588_80589del, p.Glu26863fs (NM_001256850.1); c.58316_58317del, p.Glu19439fs (NM_003319.4); c.77807_77808del, p.Glu25936fs (NM_133378.4); c.58691_58692del, p.Glu19564fs (NM_133432.3); c.58892_58893del, p.Glu19631fs (NM_133437.4); short protein forms E19439fs, E19564fs, E19631fs, E25936fs, E26863fs, E28504fs.
Identifiers: ClinVar variation 2506077 (VCV002506077.1), dbSNP rs2469665898, ClinGen allele CA2580614463.

ClinVar aggregate classification (germline): Pathogenic (1 of 4 stars; one submission).

Conditions:
Primary familial dilated cardiomyopathy (FDC). Also called: Familial dilated cardiomyopathy; Hypokinetic dilated cardiomyopathy, familial. Identifiers: Orphanet 217607, MedGen C0340427, MONDO:0016333.

Submission:

Women's Health and Genetics/Laboratory Corporation of America, LabCorp
Classification: Pathogenic for Primary familial dilated cardiomyopathy. Last evaluated: 2023-05-08. Review status: criteria provided, single submitter. Criteria: LabCorp Variant Classification Summary - May 2015. Collection method: clinical testing. Allele origin: germline.
Comment: Variant summary: TTN c.77807_77808delAG (p.Glu25936ValfsX7) results in a premature termination codon, predicted to cause a truncation of the encoded protein or absence of the protein due to nonsense mediated decay, which are commonly known mechanisms for disease. The variant was absent in 247748 control chromosomes (gnomAD). To our knowledge, no occurrence of c.77807_77808delAG in individuals affected with Dilated Cardiomyopathy and no experimental evidence demonstrating its impact on protein function have been reported. Frameshift and other truncating variants in TTN are strongly associated with DCM if they are located in the exons encoding for the A-band (PMID: 22335739, PMID: 24503780) that is highly expressed in the heart (PMID: 25589632), which is the case for this variant. No clinical diagnostic laboratories have submitted clinical-significance assessments for this variant to ClinVar after 2014. Based on the evidence outlined above, the variant was classified as pathogenic.